The following is an entry in ClinVar:

NM_014845.6(FIG4):c.2302G>T (p.Glu768Ter)

Gene: FIG4 (FIG4 phosphoinositide 5-phosphatase; plus strand). Cytogenetic location: 6q21.
Variant type: single nucleotide variant.
Coding change: c.2302G>T on transcript NM_014845.6 (MANE Select); coding-DNA position 2302, G replaced by T.
Protein change: p.Glu768Ter; replaces glutamic acid 768 with a stop codon.
Molecular consequence: nonsense.
Genome position (GRCh38, 1-based): chr6:109,791,497, G>T. VCF-style: chr6-109791497-G-T. GRCh37 (hg19) VCF-style: chr6-110112700-G-T.
Other names: short protein forms E768*.
Identifiers: ClinVar variation 1454104 (VCV001454104.6), dbSNP rs2128397285, ClinGen allele CA365216555.

ClinVar aggregate classification (germline): Pathogenic (1 of 4 stars; one submission).

Conditions:
Charcot-Marie-Tooth disease type 4. Also called: Charcot-Marie-Tooth disease, type IV; Charcot-Marie-Tooth, Type 4. Identifiers: Orphanet 64749, MedGen C4082197, MONDO:0018995.

Submission:

Labcorp Genetics (formerly Invitae), Labcorp
Classification: Pathogenic for Charcot-Marie-Tooth disease type 4. Last evaluated: 2022-01-18. Review status: criteria provided, single submitter. Criteria: Invitae Variant Classification Sherloc (09022015). Collection method: clinical testing. Allele origin: germline.
Comment: For these reasons, this variant has been classified as Pathogenic. This variant has not been reported in the literature in individuals affected with FIG4-related conditions. This variant is not present in population databases (gnomAD no frequency). This sequence change creates a premature translational stop signal (p.Glu768*) in the FIG4 gene. It is expected to result in an absent or disrupted protein product. Loss-of-function variants in FIG4 are known to be pathogenic (PMID: 23623387).

Literature cited by the submitters: PubMed 23623387.